The following is an entry in ClinVar:

NM_138694.4(PKHD1):c.11342C>T (p.Ser3781Leu)

Gene: PKHD1 (PKHD1 ciliary IPT domain containing fibrocystin/polyductin; minus strand). Cytogenetic location: 6p12.3.
Variant type: single nucleotide variant.
Coding change: c.11342C>T on transcript NM_138694.4 (MANE Select); coding-DNA position 11342, C replaced by T.
Protein change: p.Ser3781Leu; replaces serine 3781 with leucine.
Molecular consequence: missense variant.
Genome position (GRCh38, 1-based): chr6:51,648,087, G>A on the plus strand (C>T on the coding strand, the complement: PKHD1 is on the minus strand). VCF-style: chr6-51648087-G-A. GRCh37 (hg19) VCF-style: chr6-51512885-G-A.
Other names: short protein forms S3781L.
Identifiers: ClinVar variation 839985 (VCV000839985.14), dbSNP rs780849635, ClinGen allele CA3850886.

ClinVar aggregate classification (germline): Uncertain significance. Review status: criteria provided, multiple submitters, no conflicts (2 of 4 stars). 6 submissions from 6 submitters: Uncertain significance (4). 2 of the submissions do not count toward it. Last evaluated 2026-08-06.

Conditions:
Autosomal recessive polycystic kidney disease (ARPKD). Also called: AR polycystic kidney disease. Identifiers: Orphanet 731, Orphanet 8378, MedGen C0085548, MeSH D017044, MONDO:0009889.
PKHD1-related disorder. Also called: PKHD1-related condition.
Polycystic kidney disease 4 (PKD4). Also called: POLYCYSTIC KIDNEY AND HEPATIC DISEASE 1; POLYCYSTIC KIDNEY DISEASE, INFANTILE, TYPE I; POLYCYSTIC KIDNEY DISEASE 4 WITH OR WITHOUT POLYCYSTIC LIVER DISEASE; PKD3; Autosomal Recessive Polycystic Kidney Disease – PKHD1. Identifiers: MedGen C4540575, MONDO:0033004, OMIM 263200.

Allele frequency attached by ClinVar (database versions not stated): gnomAD exomes below 0.00001 and 0.00001; TOPMed 0.00007; ExAC 0.00002; gnomAD 0.00007 and 0.00009.
gnomAD v4.1: 13 of 1,607,788 alleles (0.00081%); highest among the groups gnomAD compares: African/African-American, 0.017%; no homozygotes.

Submissions (6):

OLLIN Analises Genomicas, OLLIN
Classification: Uncertain significance for Polycystic kidney disease 4. Last evaluated: 2026-08-06. Review status: criteria provided, single submitter. Criteria: ACMG Guidelines 2015 PMID 25741868. Collection method: clinical testing. Allele origin: germline. Inheritance: Autosomal recessive inheritance.
Comment: This missense variant, located in exon 63 (of 67), has been reported in ClinVar (accession VCV000839985.13) and in gnomAD with an allele frequency of 0.000809%. However, to our knowledge, it has not been reported in the scientific literature. In silico analysis predicts that this variant has a tolerated effect. According to the currently available evidence, this variant has been classified as uncertain significance (PM2_P, BP4).

Labcorp Genetics (formerly Invitae), Labcorp
Classification: Uncertain significance for Autosomal recessive polycystic kidney disease. Last evaluated: 2024-02-24. Review status: criteria provided, single submitter. Criteria: Invitae Variant Classification Sherloc (09022015). Collection method: clinical testing. Allele origin: germline.
Comment: This sequence change replaces serine, which is neutral and polar, with leucine, which is neutral and non-polar, at codon 3781 of the PKHD1 protein (p.Ser3781Leu). This variant is present in population databases (rs780849635, gnomAD 0.02%). This variant has not been reported in the literature in individuals affected with PKHD1-related conditions. ClinVar contains an entry for this variant (Variation ID: 839985). Advanced modeling of protein sequence and biophysical properties (such as structural, functional, and spatial information, amino acid conservation, physicochemical variation, residue mobility, and thermodynamic stability) performed at Invitae indicates that this missense variant is not expected to disrupt PKHD1 protein function with a negative predictive value of 95%. In summary, the available evidence is currently insufficient to determine the role of this variant in disease. Therefore, it has been classified as a Variant of Uncertain Significance.

GeneDx
Classification: Uncertain significance. Last evaluated: 2022-06-27. Review status: criteria provided, single submitter. Criteria: GeneDx Variant Classification Process June 2021. Collection method: clinical testing. Allele origin: germline. Affected: yes.
Comment: In silico analysis supports that this missense variant has a deleterious effect on protein structure/function; Has not been previously published as pathogenic or benign to our knowledge

Fulgent Genetics
Classification: Uncertain significance for Polycystic kidney disease 4. Last evaluated: 2022-03-18. Review status: criteria provided, single submitter. Criteria: ACMG Guidelines, 2015. Collection method: clinical testing. Allele origin: unknown.

PreventionGenetics, part of Exact Sciences
Classification: Uncertain significance for PKHD1-related condition. Last evaluated: 2024-09-20. Review status: no assertion criteria provided. Collection method: clinical testing. Allele origin: germline. Not counted in ClinVar's aggregate classification.
Comment: The PKHD1 c.11342C>T variant is predicted to result in the amino acid substitution p.Ser3781Leu. To our knowledge, this variant has not been reported in the literature. This variant is reported in 0.016% of alleles in individuals of African descent in gnomAD. At this time, the clinical significance of this variant is uncertain due to the absence of conclusive functional and genetic evidence.

Natera, Inc.
Classification: Uncertain significance for Autosomal recessive polycystic kidney disease. Last evaluated: 2018-05-21. Review status: no assertion criteria provided. Collection method: clinical testing. Allele origin: germline. Not counted in ClinVar's aggregate classification.